The following is an entry in ClinVar:

NM_005138.3(SCO2):c.775G>A (p.Ala259Thr)

Genes: NCAPH2 (non-SMC condensin II complex subunit H2; plus strand), SCO2 (synthesis of cytochrome C oxidase 2; minus strand). Cytogenetic location: 22q13.33.
Variant type: single nucleotide variant.
Coding change: c.775G>A on transcript NM_005138.3 (MANE Select); coding-DNA position 775, G replaced by A.
Protein change: p.Ala259Thr; replaces alanine 259 with threonine.
Molecular consequence: missense variant. On other transcripts: 3 prime UTR variant (2).
Genome position (GRCh38, 1-based): chr22:50,523,637, C>T on the plus strand (G>A on the coding strand, the complement: SCO2 is on the minus strand). VCF-style: chr22-50523637-C-T. GRCh37 (hg19) VCF-style: chr22-50962066-C-T.
Other names: c.*262C>T (NM_001185011.2, NM_152299.4); c.775G>A, p.Ala259Thr (NM_001169109.2, NM_001169110.1, NM_001169111.2); short protein forms A259T.
Identifiers: ClinVar variation 1398857 (VCV001398857.5), dbSNP rs2148670651, ClinGen allele CA412190311.

ClinVar aggregate classification (germline): Uncertain significance. Review status: criteria provided, multiple submitters, no conflicts (2 of 4 stars). 2 submissions from 2 submitters: Uncertain significance (2). Last evaluated 2024-06-07.

Conditions:
Inborn genetic diseases. Identifiers: MedGen C0950123, MeSH D030342.

Submissions (2):

Ambry Genetics
Classification: Uncertain significance for Inborn genetic diseases. Last evaluated: 2024-06-07. Review status: criteria provided, single submitter. Criteria: Ambry Variant Classification Scheme 2023. Collection method: clinical testing. Allele origin: germline.

Labcorp Genetics (formerly Invitae), Labcorp
Classification: Uncertain significance. Last evaluated: 2021-08-23. Review status: criteria provided, single submitter. Criteria: Invitae Variant Classification Sherloc (09022015). Collection method: clinical testing. Allele origin: germline.
Comment: In summary, the available evidence is currently insufficient to determine the role of this variant in disease. Therefore, it has been classified as a Variant of Uncertain Significance. Algorithms developed to predict the effect of missense changes on protein structure and function (SIFT, PolyPhen-2, Align-GVGD) all suggest that this variant is likely to be tolerated. This variant has not been reported in the literature in individuals affected with SCO2-related conditions. This variant is not present in population databases (ExAC no frequency). This sequence change replaces alanine with threonine at codon 259 of the SCO2 protein (p.Ala259Thr). The alanine residue is moderately conserved and there is a small physicochemical difference between alanine and threonine.